The following is an entry in ClinVar:

ClinVar aggregate classification (germline): Uncertain significance (1 of 4 stars; one submission).

Conditions:
Epidermolysis bullosa simplex 3, localized or generalized intermediate, with BP230 deficiency (EBS3). Also called: Epidermolysis bullosa simplex, autosomal recessive 2; Epidermolysis bullosa simplex due to BP230 deficiency. Identifiers: Orphanet 412181, MedGen C3809470, MONDO:0014180, OMIM 615425.
Hereditary sensory and autonomic neuropathy type 6. Also called: Neuropathy, hereditary sensory and autonomic, type VI; HSAN VI. Identifiers: Orphanet 314381, MedGen C3539003, MONDO:0013839, OMIM 614653.

gnomAD v4.1: 1 of 1,613,938 alleles (0.000062%); highest among the groups gnomAD compares: Non-Finnish European, 0.000085%; no homozygotes.

Submission:

Labcorp Genetics (formerly Invitae), Labcorp
Classification: Uncertain significance for Epidermolysis bullosa simplex 3, localized or generalized intermediate, with BP230 deficiency; Hereditary sensory and autonomic neuropathy type 6. Last evaluated: 2022-05-12. Review status: criteria provided, single submitter. Criteria: Invitae Variant Classification Sherloc (09022015). Collection method: clinical testing. Allele origin: germline.
Comment: In summary, the available evidence is currently insufficient to determine the role of this variant in disease. Therefore, it has been classified as a Variant of Uncertain Significance. Algorithms developed to predict the effect of missense changes on protein structure and function (SIFT, PolyPhen-2, Align-GVGD) all suggest that this variant is likely to be disruptive. This variant has not been reported in the literature in individuals affected with DST-related conditions. This variant is not present in population databases (gnomAD no frequency). This sequence change replaces leucine, which is neutral and non-polar, with arginine, which is basic and polar, at codon 1476 of the DST protein (p.Leu1476Arg).

NM_001723.7(DST):c.4427T>G (p.Leu1476Arg)

Gene: DST (dystonin; minus strand). Cytogenetic location: 6p12.1.
Variant type: single nucleotide variant.
Coding change: c.4427T>G on transcript NM_001723.7 (MANE Plus Clinical); coding-DNA position 4427, T replaced by G.
Protein change: p.Leu1476Arg; replaces leucine 1476 with arginine.
Molecular consequence: missense variant. On other transcripts: intron variant (10).
Genome position (GRCh38, 1-based): chr6:56,619,607, A>C on the plus strand (T>G on the coding strand, the complement: DST is on the minus strand). VCF-style: chr6-56619607-A-C. GRCh37 (hg19) VCF-style: chr6-56484405-A-C.
Other names: c.4830+4923T>G (NM_001144769.5); c.4929+4923T>G (NM_001374722.1, NM_001374736.1); c.4956+4923T>G (NM_001374734.1); c.4416+4923T>G (NM_001144770.2); c.4296+4923T>G (NM_001374730.1, NM_001386100.1, NM_183380.4 and 1 more transcripts); c.3318+4923T>G (NM_015548.5); short protein forms L1476R.
Identifiers: ClinVar variation 1993550 (VCV001993550.4), dbSNP rs923322861, ClinGen allele CA364569703.